The following is an entry in ClinVar:

NM_002843.4(PTPRJ):c.3373C>T (p.Arg1125Cys)

Gene: PTPRJ (protein tyrosine phosphatase receptor type J; plus strand). Cytogenetic location: 11p11.2.
Variant type: single nucleotide variant.
Coding change: c.3373C>T on transcript NM_002843.4 (MANE Select); coding-DNA position 3373, C replaced by T.
Protein change: p.Arg1125Cys; replaces arginine 1125 with cysteine.
Molecular consequence: missense variant.
Genome position (GRCh38, 1-based): chr11:48,156,054, C>T. VCF-style: chr11-48156054-C-T. GRCh37 (hg19) VCF-style: chr11-48177606-C-T.
Other names: short protein forms R1125C.
Identifiers: ClinVar variation 1049432 (VCV001049432.1), dbSNP rs536396969, ClinGen allele CA5982730.
Genomic context (GRCh38, chr11:48,156,054, plus strand): 5'-TCCAAGAAAGATTTTATTGCCACACAAGGACCTTTACCGAACACTTTGAAAGATTTTTGG[C>T]GTATGGTTTGGGAGAAAAATGTATATGCCATCATTATGTTGACTAAATGTGTTGAACAGG-3'
Protein context (NP_002834.3, residues 1115-1135): PLPNTLKDFW[Arg1125Cys]MVWEKNVYAI

ClinVar aggregate classification (germline): Uncertain significance (0 of 4 stars; one submission).

Allele frequency attached by ClinVar (database versions not stated): TOPMed 0.00001; gnomAD exomes 0.00002; ExAC 0.00003; gnomAD 0.00003; 1000 Genomes Project 30x 0.00016; 1000 Genomes Project 0.00020.
gnomAD v4.1: 40 of 1,602,592 alleles (0.0025%); highest among the groups gnomAD compares: Non-Finnish European, 0.0029%; no homozygotes.

Submission:

Department of Pathology and Laboratory Medicine, Sinai Health System
Classification: Uncertain significance. Review status: no assertion criteria provided. Collection method: clinical testing. Allele origin: unknown. Affected: yes. Study: The Canadian Open Genetics Repository (COGR).
Comment: The PTPRJ p.Arg1125Cys variant was not identified in the literature nor was it identified in the ClinVar, MutDB or LOVD 3.0 databases. The variant was identified in dbSNP (ID: rs536396969) and Cosmic (predicted pathogenic by FATHMM). The variant was identified in control databases in 5 of 276966 chromosomes at a frequency of 0.000018 (Genome Aggregation Database Feb 27, 2017). The variant was observed in the following populations: East Asian in 1 of 18862 chromosomes (freq: 0.000053), South Asian in 1 of 30778 chromosomes (freq: 0.000032) and European (Non-Finnish) in 3 of 126488 chromosomes (freq: 0.000024); it was not observed in the African, Ashkenazi Jewish, European (Finnish), Latino and other populations. The p.Arg1125 residue is conserved across mammals and other organisms, and computational analyses (PolyPhen-2, SIFT, AlignGVGD, BLOSUM, MutationTaster) suggest that the variant may impact the protein; however, this information is not predictive enough to assume pathogenicity. In summary, based on the above information the clinical significance of this variant cannot be determined with certainty at this time. This variant is classified as a variant of uncertain significance.